The following is an entry in ClinVar:

ClinVar aggregate classification (germline): Pathogenic (1 of 4 stars; one submission).

Conditions:
Mucopolysaccharidosis type 1. Also called: Mucopolysaccharidosis Type I; IDUA deficiency; MPS I. Identifiers: Orphanet 579, MedGen C0023786, MONDO:0001586.

Submission:

Labcorp Genetics (formerly Invitae), Labcorp
Classification: Pathogenic for Mucopolysaccharidosis type 1. Last evaluated: 2023-02-18. Review status: criteria provided, single submitter. Criteria: Invitae Variant Classification Sherloc (09022015). Collection method: clinical testing. Allele origin: germline.
Comment: This variant is not present in population databases (gnomAD no frequency). This sequence change creates a premature translational stop signal (p.Gln380Argfs*61) in the IDUA gene. It is expected to result in an absent or disrupted protein product. Loss-of-function variants in IDUA are known to be pathogenic (PMID: 11735025, 21480867). For these reasons, this variant has been classified as Pathogenic. This variant has not been reported in the literature in individuals affected with IDUA-related conditions.

Literature cited by the submitters: PubMed 11735025; PubMed 21480867.

NM_000203.5(IDUA):c.1137_1138dup (p.Gln380fs)

Gene: IDUA (alpha-L-iduronidase; plus strand). Cytogenetic location: 4p16.3.
Variant type: Duplication.
Coding change: c.1137_1138dup on transcript NM_000203.5 (MANE Select); coding-DNA positions 1137 to 1138, 2 bases duplicated (GC; older notation c.1137_1138dupGC).
Protein change: p.Gln380fs; shifts the reading frame from glutamine 380.
Molecular consequence: frameshift variant. On other transcripts: non-coding transcript variant (1).
Genome position (GRCh38, 1-based): chr4:1,002,433-1,002,434, GC duplicated. VCF-style (leftmost placement, unchanged base first): chr4-1002432-T-TGC. GRCh37 (hg19) VCF-style: chr4-996220-T-TGC.
Other names: c.741_742dup, p.Gln248fs (NM_001363576.1); short protein forms Q380fs, Q248fs.
Identifiers: ClinVar variation 2838662 (VCV002838662.3), dbSNP rs2534090058, ClinGen allele CA2739269993.